The following is an entry in ClinVar:

NM_000539.3(RHO):c.58G>C (p.Val20Leu)

Gene: RHO (rhodopsin; plus strand). Cytogenetic location: 3q22.1.
Variant type: single nucleotide variant.
Coding change: c.58G>C on transcript NM_000539.3 (MANE Select); coding-DNA position 58, G replaced by C.
Protein change: p.Val20Leu; replaces valine 20 with leucine.
Molecular consequence: missense variant.
Genome position (GRCh38, 1-based): chr3:129,528,791, G>C. VCF-style: chr3-129528791-G-C. GRCh37 (hg19) VCF-style: chr3-129247634-G-C.
Other names: short protein forms V20L.
Identifiers: ClinVar variation 2020115 (VCV002020115.4), dbSNP rs370401948, ClinGen allele CA354495445.

ClinVar aggregate classification (germline): Uncertain significance (1 of 4 stars; one submission).

Submission:

Labcorp Genetics (formerly Invitae), Labcorp
Classification: Uncertain significance. Last evaluated: 2022-07-29. Review status: criteria provided, single submitter. Criteria: Invitae Variant Classification Sherloc (09022015). Collection method: clinical testing. Allele origin: germline.
Comment: In summary, the available evidence is currently insufficient to determine the role of this variant in disease. Therefore, it has been classified as a Variant of Uncertain Significance. This variant disrupts the p.Val20 amino acid residue in RHO. Other variant(s) that disrupt this residue have been determined to be pathogenic (PMID: 16170112, 24106275, 30977563). This suggests that this residue is clinically significant, and that variants that disrupt this residue are likely to be disease-causing. Advanced modeling of protein sequence and biophysical properties (such as structural, functional, and spatial information, amino acid conservation, physicochemical variation, residue mobility, and thermodynamic stability) performed at Invitae indicates that this missense variant is not expected to disrupt RHO protein function. This missense change has been observed in individual(s) with clinical features of retinitis pigmentosa (Invitae). This variant is not present in population databases (gnomAD no frequency). This sequence change replaces valine, which is neutral and non-polar, with leucine, which is neutral and non-polar, at codon 20 of the RHO protein (p.Val20Leu).

Literature cited by the submitters: PubMed 16170112; PubMed 24106275; PubMed 30977563.